The following is an entry in ClinVar:

ClinVar aggregate classification (germline): Likely benign. Review status: criteria provided, single submitter (1 of 4 stars). 2 submissions from 2 submitters: Likely benign (1). 1 of the submissions does not count toward it. Last evaluated 2025-04-07.

Conditions:
ORC1-related disorder. Also called: ORC1-related condition.

Allele frequency attached by ClinVar (database versions not stated): gnomAD exomes 0.00002 and 0.00004; ExAC 0.00006; TOPMed 0.00008; gnomAD 0.00009 and 0.00010; ESP Exome Variant Server 0.00015.
gnomAD v4.1: 46 of 1,614,062 alleles (0.0028%); highest among the groups gnomAD compares: African/African-American, 0.025%; no homozygotes.

Submissions (2):

Labcorp Genetics (formerly Invitae), Labcorp
Classification: Likely benign. Last evaluated: 2025-04-07. Review status: criteria provided, single submitter. Criteria: Invitae Variant Classification Sherloc (09022015). Collection method: clinical testing. Allele origin: germline.

PreventionGenetics, part of Exact Sciences
Classification: Likely benign for ORC1-related condition. Last evaluated: 2019-03-22. Review status: no assertion criteria provided. Collection method: clinical testing. Allele origin: germline. Not counted in ClinVar's aggregate classification.
Comment: This variant is classified as likely benign based on ACMG/AMP sequence variant interpretation guidelines (Richards et al. 2015 PMID: 25741868, with internal and published modifications).

NM_004153.4(ORC1):c.2463C>T (p.Ala821=)

Gene: ORC1 (origin recognition complex subunit 1; minus strand). Cytogenetic location: 1p32.3.
Variant type: single nucleotide variant.
Coding change: c.2463C>T on transcript NM_004153.4 (MANE Select); coding-DNA position 2463, C replaced by T.
Protein change: p.Ala821=; no amino-acid change (alanine 821 retained).
Molecular consequence: synonymous variant.
Genome position (GRCh38, 1-based): chr1:52,373,304, G>A on the plus strand (C>T on the coding strand, the complement: ORC1 is on the minus strand). VCF-style: chr1-52373304-G-A. GRCh37 (hg19) VCF-style: chr1-52838976-G-A.
Other names: c.2463C>T, p.Ala821= (NM_001190818.2); c.2448C>T, p.Ala816= (NM_001190819.2).
Identifiers: ClinVar variation 717609 (VCV000717609.9), dbSNP rs139714078, ClinGen allele CA853013.